The following is an entry in ClinVar:

NM_198597.3(SEC24C):c.957G>A (p.Lys319=)

Gene: SEC24C (SEC24 homolog C, COPII component; plus strand). Cytogenetic location: 10q22.2.
Variant type: single nucleotide variant.
Coding change: c.957G>A on transcript NM_198597.3 (MANE Select); coding-DNA position 957, G replaced by A.
Protein change: p.Lys319=; no amino-acid change (lysine 319 retained).
Molecular consequence: synonymous variant.
Genome position (GRCh38, 1-based): chr10:73,760,819, G>A. VCF-style: chr10-73760819-G-A. GRCh37 (hg19) VCF-style: chr10-75520577-G-A.
Other names: c.957G>A, p.Lys319= (NM_004922.4).
Identifiers: ClinVar variation 4872862 (VCV004872862.2).

ClinVar aggregate classification (germline): Likely benign (1 of 4 stars; one submission).

gnomAD v4.1: 45 of 1,614,074 alleles (0.0028%); highest among the groups gnomAD compares: East Asian, 0.029%; no homozygotes.

Submission:

CeGaT Center for Human Genetics Tuebingen
Classification: Likely benign. Last evaluated: 2026-06-01. Review status: criteria provided, single submitter. Criteria: CeGaT Center For Human Genetics Tuebingen Variant Classification Criteria Version 2. Collection method: clinical testing. Allele origin: germline. Affected: yes. Observed: 1 variant allele.
Comment: SEC24C: BP4, BP7